The following is an entry in ClinVar:

NM_004484.4(GPC3):c.497T>C (p.Met166Thr)

Gene: GPC3 (glypican 3; minus strand). Cytogenetic location: Xq26.2.
Variant type: single nucleotide variant.
Coding change: c.497T>C on transcript NM_004484.4 (MANE Select); coding-DNA position 497, T replaced by C.
Protein change: p.Met166Thr; replaces methionine 166 with threonine.
Molecular consequence: missense variant.
Genome position (GRCh38, 1-based): chrX:133,754,017, A>G on the plus strand (T>C on the coding strand, the complement: GPC3 is on the minus strand). VCF-style: chrX-133754017-A-G. GRCh37 (hg19) VCF-style: chrX-132888044-A-G.
Other names: c.497T>C, p.Met166Thr (NM_001164617.2); c.449T>C, p.Met150Thr (NM_001164618.2); c.335T>C, p.Met112Thr (NM_001164619.2); short protein forms M112T, M166T, M150T.
Identifiers: ClinVar variation 966811 (VCV000966811.10), dbSNP rs2071700722, ClinGen allele CA414706495.
Genomic context (GRCh38, chrX:133,754,017, plus strand): 5'-CCTGGGTTCATTAGCTGGGTATAGATGACTGGAAACAGGCTGTCAAACAATTCATTGACC[A>G]TGTCATCTACATTGATGTCAGAACCCAAGATGTAGAGAGACACATCTGTGAAAAATTCAC-3'
Protein context (NP_004475.1, residues 156-176): ILGSDINVDD[Met166Thr]VNELFDSLFP

ClinVar aggregate classification (germline): Uncertain significance (1 of 4 stars; one submission).

Conditions:
Wilms tumor 1 (WT1). Also called: Wilms tumor, somatic. Identifiers: Orphanet 654, MedGen CN033288, MONDO:0008679, OMIM 194070.

Allele frequency attached by ClinVar (database versions not stated): gnomAD exomes 0.00001.

Submission:

Labcorp Genetics (formerly Invitae), Labcorp
Classification: Uncertain significance for Wilms tumor 1. Last evaluated: 2022-02-10. Review status: criteria provided, single submitter. Criteria: Invitae Variant Classification Sherloc (09022015). Collection method: clinical testing. Allele origin: germline.
Comment: This sequence change replaces methionine, which is neutral and non-polar, with threonine, which is neutral and polar, at codon 166 of the GPC3 protein (p.Met166Thr). In summary, the available evidence is currently insufficient to determine the role of this variant in disease. Therefore, it has been classified as a Variant of Uncertain Significance. Algorithms developed to predict the effect of missense changes on protein structure and function are either unavailable or do not agree on the potential impact of this missense change (SIFT: "Tolerated"; PolyPhen-2: "Probably Damaging"; Align-GVGD: "Class C0"). ClinVar contains an entry for this variant (Variation ID: 966811). This variant has not been reported in the literature in individuals affected with GPC3-related conditions. This variant is not present in population databases (gnomAD no frequency).